The following is an entry in ClinVar:

NM_001332.4(CTNND2):c.2665C>T (p.Arg889Ter)

Gene: CTNND2 (catenin delta 2; minus strand). Cytogenetic location: 5p15.2.
Variant type: single nucleotide variant.
Coding change: c.2665C>T on transcript NM_001332.4 (MANE Select); coding-DNA position 2665, C replaced by T.
Protein change: p.Arg889Ter; replaces arginine 889 with a stop codon.
Molecular consequence: nonsense. On other transcripts: non-coding transcript variant (1).
Genome position (GRCh38, 1-based): chr5:11,082,819, G>A on the plus strand (C>T on the coding strand, the complement: CTNND2 is on the minus strand). VCF-style: chr5-11082819-G-A. GRCh37 (hg19) VCF-style: chr5-11082931-G-A.
Other names: c.2392C>T, p.Arg798Ter (NM_001288715.1); c.1654C>T, p.Arg552Ter (NM_001288716.1); c.1366C>T, p.Arg456Ter (NM_001288717.2); c.1729C>T, p.Arg577Ter (NM_001364128.2); short protein forms R456*, R552*, R577*, R798*, R889*.
Identifiers: ClinVar variation 4869511 (VCV004869511.1).
Genomic context (GRCh38, chr5:11,082,819, plus strand): 5'-CCACACGGTCATTGTCTATTCGGAGCAGCTCCACGAGGATGGGCAGGCCTTTCTCTTTTC[G>A]GACAGCGGCTCGGATATATACTGACCACTGCAAAAACAGGGAAGGCGAAGGGCGTTAGAA-3'

ClinVar aggregate classification (germline): Pathogenic (1 of 4 stars; one submission).

Conditions:
Inborn genetic diseases. Identifiers: MedGen C0950123, MeSH D030342.

Submission:

Ambry Genetics
Classification: Pathogenic for Inborn genetic diseases. Last evaluated: 2026-05-15. Review status: criteria provided, single submitter. Criteria: Ambry Variant Classification Scheme 2023. Collection method: clinical testing. Allele origin: germline.
Comment: The c.2665C>T (p.R889*) alteration, located in exon 16 (coding exon 16) of the CTNND2 gene, consists of a C to T substitution at nucleotide position 2665. This variant is expected to result in loss of function by premature protein truncation or nonsense-mediated mRNA decay. This variant was not reported in population-based cohorts in the Genome Aggregation Database (gnomAD). Based on the available evidence, this alteration is classified as pathogenic.